The following is an entry in ClinVar:

ClinVar aggregate classification (germline): Likely benign (1 of 4 stars; one submission).

Allele frequency attached by ClinVar (database versions not stated): 1000 Genomes Project 0.00060; 1000 Genomes Project 30x 0.00062; ExAC 0.00202; ESP Exome Variant Server 0.00269; gnomAD exomes 0.00301.
gnomAD v4.1: 4,777 of 1,613,922 alleles (0.3%); highest among the groups gnomAD compares: Non-Finnish European, 0.36%; 12 homozygotes.

Submission:

CeGaT Center for Human Genetics Tuebingen
Classification: Likely benign. Last evaluated: 2022-07-01. Review status: criteria provided, single submitter. Criteria: CeGaT Center For Human Genetics Tuebingen Variant Classification Criteria Version 2. Collection method: clinical testing. Allele origin: germline. Affected: yes. Observed: 1 variant allele.
Comment: EIPR1: BP4, BP7

NM_003310.5(EIPR1):c.741C>T (p.Cys247=)

Gene: EIPR1 (EARP complex and GARP complex interacting protein 1; minus strand). Cytogenetic location: 2p25.3.
Variant type: single nucleotide variant.
Coding change: c.741C>T on transcript NM_003310.5 (MANE Select); coding-DNA position 741, C replaced by T.
Protein change: p.Cys247=; no amino-acid change (cysteine 247 retained).
Molecular consequence: synonymous variant.
Genome position (GRCh38, 1-based): chr2:3,194,079, G>A on the plus strand (C>T on the coding strand, the complement: EIPR1 is on the minus strand). VCF-style: chr2-3194079-G-A. GRCh37 (hg19) VCF-style: chr2-3197850-G-A.
Other names: c.822C>T, p.Cys274= (NM_001330530.3); c.309C>T, p.Cys103= (NM_001330531.3).
Identifiers: ClinVar variation 2650632 (VCV002650632.24), dbSNP rs148363289, ClinGen allele CA1514634.